The following is an entry in ClinVar:

ClinVar aggregate classification (germline): Uncertain significance (1 of 4 stars; one submission).

Conditions:
Familial adenomatous polyposis 2. Also called: MUTYH-associated polyposis; Adenomas, multiple colorectal; COLORECTAL ADENOMATOUS POLYPOSIS, AUTOSOMAL RECESSIVE; ADENOMAS, MULTIPLE COLORECTAL, AUTOSOMAL RECESSIVE; MUTYH-related attenuated familial adenomatous polyposis; MYH-associated polyposis. Identifiers: Orphanet 220460, Orphanet 247798, MedGen C3272841, MONDO:0012041, OMIM 608456.

Submission:

Labcorp Genetics (formerly Invitae), Labcorp
Classification: Uncertain significance for Familial adenomatous polyposis 2. Last evaluated: 2023-05-25. Review status: criteria provided, single submitter. Criteria: Invitae Variant Classification Sherloc (09022015). Collection method: clinical testing. Allele origin: germline.
Comment: This sequence change replaces isoleucine, which is neutral and non-polar, with asparagine, which is neutral and polar, at codon 249 of the MUTYH protein (p.Ile249Asn). This variant is not present in population databases (gnomAD no frequency). This variant has not been reported in the literature in individuals affected with MUTYH-related conditions. An algorithm developed to predict the effect of missense changes on protein structure and function (PolyPhen-2) suggests that this variant is likely to be disruptive. In summary, the available evidence is currently insufficient to determine the role of this variant in disease. Therefore, it has been classified as a Variant of Uncertain Significance.

NM_001048174.2(MUTYH):c.662T>A (p.Ile221Asn)

Gene: MUTYH (mutY DNA glycosylase; minus strand). Cytogenetic location: 1p34.1.
Variant type: single nucleotide variant.
Coding change: c.662T>A on transcript NM_001048174.2 (MANE Select); coding-DNA position 662, T replaced by A.
Protein change: p.Ile221Asn; replaces isoleucine 221 with asparagine.
Molecular consequence: missense variant. On other transcripts: non-coding transcript variant (7).
Genome position (GRCh38, 1-based): chr1:45,332,433, A>T on the plus strand (T>A on the coding strand, the complement: MUTYH is on the minus strand). VCF-style: chr1-45332433-A-T. GRCh37 (hg19) VCF-style: chr1-45798105-A-T.
Other names: c.662T>A, p.Ile221Asn (NM_001048171.2, NM_001048173.2, NM_001293195.2 and 6 more transcripts); c.665T>A, p.Ile222Asn (NM_001048172.2, NM_001407071.1, NM_001407078.1 and 1 more transcripts); c.746T>A, p.Ile249Asn (NM_001128425.2); c.707T>A, p.Ile236Asn (NM_001293190.2); c.695T>A, p.Ile232Asn (NM_001293191.2, NM_001407069.1, NM_001407077.1); c.386T>A, p.Ile129Asn (NM_001293192.2, NM_001293196.2, NM_001407091.1); c.317T>A, p.Ile106Asn (NM_001350650.2, NM_001350651.2, NM_001407082.1); c.578T>A, p.Ile193Asn (NM_001407075.1); and 5 more; short protein forms I207N, I232N, I193N, I221N, I246N, I208N, I222N, I235N.
Identifiers: ClinVar variation 2719255 (VCV002719255.3), dbSNP rs1570407749, ClinGen allele CA340134830.